The following is an entry in ClinVar:

ClinVar aggregate classification (germline): Uncertain significance (1 of 4 stars; one submission).

Conditions:
Ullrich congenital muscular dystrophy 2 (UCMD2). Identifiers: Orphanet 75840, MedGen C4225314, MONDO:0014654, OMIM 616470.
Bethlem myopathy 2 (BTHLM2). Identifiers: Orphanet 536516, Orphanet 610, MedGen C4225313, MONDO:0034022, OMIM 616471.

Allele frequency attached by ClinVar (database versions not stated): ExAC 0.00001; gnomAD exomes 0.00001; TOPMed 0.00001; 1000 Genomes Project 30x 0.00016; 1000 Genomes Project 0.00020.
gnomAD v4.1: 6 of 1,613,934 alleles (0.00037%); highest among the groups gnomAD compares: East Asian, 0.013%; no homozygotes.

Submission:

Labcorp Genetics (formerly Invitae), Labcorp
Classification: Uncertain significance for Bethlem myopathy 2; Ullrich congenital muscular dystrophy 2. Last evaluated: 2019-05-07. Review status: criteria provided, single submitter. Criteria: Invitae Variant Classification Sherloc (09022015). Collection method: clinical testing. Allele origin: germline.
Comment: This sequence change replaces proline with alanine at codon 1044 of the COL12A1 protein (p.Pro1044Ala). The proline residue is moderately conserved and there is a small physicochemical difference between proline and alanine. This variant is present in population databases (rs200490883, ExAC 0.01%). This variant has not been reported in the literature in individuals with COL12A1-related disease. Algorithms developed to predict the effect of missense changes on protein structure and function (SIFT, PolyPhen-2, Align-GVGD) all suggest that this variant is likely to be tolerated, but these predictions have not been confirmed by published functional studies and their clinical significance is uncertain. In summary, the available evidence is currently insufficient to determine the role of this variant in disease. Therefore, it has been classified as a Variant of Uncertain Significance.

NM_004370.6(COL12A1):c.3130C>G (p.Pro1044Ala)

Gene: COL12A1 (collagen type XII alpha 1 chain; minus strand). Cytogenetic location: 6q13.
Variant type: single nucleotide variant.
Coding change: c.3130C>G on transcript NM_004370.6 (MANE Select); coding-DNA position 3130, C replaced by G.
Protein change: p.Pro1044Ala; replaces proline 1044 with alanine.
Molecular consequence: missense variant. On other transcripts: intron variant (1).
Genome position (GRCh38, 1-based): chr6:75,156,377, G>C on the plus strand (C>G on the coding strand, the complement: COL12A1 is on the minus strand). VCF-style: chr6-75156377-G-C. GRCh37 (hg19) VCF-style: chr6-75866093-G-C.
Other names: c.74-3895C>G (NM_080645.3); short protein forms P1044A.
Identifiers: ClinVar variation 475856 (VCV000475856.2), dbSNP rs200490883, ClinGen allele CA3893794.